The following is an entry in ClinVar:

ClinVar aggregate classification (germline): Likely pathogenic (1 of 4 stars; one submission).

Conditions:
X-linked lymphoproliferative disease due to XIAP deficiency. Also called: XIAP-Related Lymphoproliferative Disease, X-Linked; XIAP DEFICIENCY. Identifiers: Orphanet 2442, Orphanet 538934, MedGen C1845076, MONDO:0010385, OMIM 300635.

Submission:

Neuberg Centre For Genomic Medicine, NCGM
Classification: Likely pathogenic for X-linked lymphoproliferative disease due to XIAP deficiency. Last evaluated: 2023-06-02. Review status: criteria provided, single submitter. Criteria: ACMG Guidelines, 2015. Collection method: clinical testing. Allele origin: germline. Inheritance: Autosomal recessive inheritance. Affected: yes.
Comment: The observed stop gain c.997C>T(p.Gln333Ter) variant has not been reported previously as a pathogenic variant nor as a benign variant, to our knowledge. The c.997C>T variant is absent in gnomAD Exomes database. This variant has not been submitted to the ClinVar database. computational evidence (MutationTaster - disease causing) predict a damaging effect on protein structure and function for this variant. The nucleotide change c.997C>T in XIAP is predicted as conserved by GERP++ and PhyloP across 100 vertebrates. This variant is predicted to cause loss of normal protein function through protein truncation. Loss of function variants have been previously reported to be disease causing. Functional studies are required to prove pathogenicity of the variant. For these reasons, this variant has been classified as Likely Pathogenic.

NM_001167.4(XIAP):c.997C>T (p.Gln333Ter)

Gene: XIAP (X-linked inhibitor of apoptosis; plus strand). Cytogenetic location: Xq25.
Variant type: single nucleotide variant.
Coding change: c.997C>T on transcript NM_001167.4 (MANE Select); coding-DNA position 997, C replaced by T.
Protein change: p.Gln333Ter; replaces glutamine 333 with a stop codon.
Molecular consequence: nonsense. On other transcripts: non-coding transcript variant (2).
Genome position (GRCh38, 1-based): chrX:123,891,257, C>T. VCF-style: chrX-123891257-C-T. GRCh37 (hg19) VCF-style: chrX-123025107-C-T.
Other names: c.997C>T, p.Gln333Ter (NM_001204401.2, NM_001378590.1, NM_001378591.1 and 1 more transcripts); short protein forms Q333*.
Identifiers: ClinVar variation 3362282 (VCV003362282.3).